The following is an entry in ClinVar:

ClinVar aggregate classification (germline): Uncertain significance. Review status: criteria provided, multiple submitters, no conflicts (2 of 4 stars). 2 submissions from 2 submitters: Uncertain significance (2). Last evaluated 2024-05-06.

Conditions:
Familial adenomatous polyposis 1 (FAP1). Also called: FAMILIAL ADENOMATOUS POLYPOSIS 1, ATTENUATED; POLYPOSIS, ADENOMATOUS INTESTINAL. Identifiers: MedGen C2713442, MONDO:0021056, OMIM 175100. Disease mechanism: loss of function.
Hereditary cancer-predisposing syndrome. Also called: Neoplastic Syndromes, Hereditary; Tumor predisposition; Hereditary Cancer Syndrome; Hereditary neoplastic syndrome. Identifiers: Orphanet 140162, MedGen C0027672, MeSH D009386, MONDO:0015356.

Submissions (2):

Labcorp Genetics (formerly Invitae), Labcorp
Classification: Uncertain significance for Familial adenomatous polyposis 1. Last evaluated: 2024-05-06. Review status: criteria provided, single submitter. Criteria: Invitae Variant Classification Sherloc (09022015). Collection method: clinical testing. Allele origin: germline.
Comment: This sequence change replaces glycine, which is neutral and non-polar, with serine, which is neutral and polar, at codon 746 of the APC protein (p.Gly746Ser). This variant is not present in population databases (gnomAD no frequency). This variant has not been reported in the literature in individuals affected with APC-related conditions. Advanced modeling of protein sequence and biophysical properties (such as structural, functional, and spatial information, amino acid conservation, physicochemical variation, residue mobility, and thermodynamic stability) performed at Invitae indicates that this missense variant is not expected to disrupt APC protein function with a negative predictive value of 95%. In summary, the available evidence is currently insufficient to determine the role of this variant in disease. Therefore, it has been classified as a Variant of Uncertain Significance.

Color Diagnostics, LLC DBA Color Health
Classification: Uncertain significance for Hereditary cancer-predisposing syndrome. Last evaluated: 2023-05-30. Review status: criteria provided, single submitter. Criteria: ACMG Guidelines, 2015. Collection method: clinical testing. Allele origin: germline.
Comment: This missense variant replaces glycine with serine at codon 746 of the APC protein. Computational prediction suggests that this variant may not impact protein structure and function (internally defined REVEL score threshold <= 0.5, PMID: 27666373). To our knowledge, functional studies have not been reported for this variant. This variant has not been reported in individuals affected with APC-related disorders in the literature. This variant has not been identified in the general population by the Genome Aggregation Database (gnomAD). The available evidence is insufficient to determine the role of this variant in disease conclusively. Therefore, this variant is classified as a Variant of Uncertain Significance.

NM_000038.6(APC):c.2236G>A (p.Gly746Ser)

Gene: APC (APC regulator of Wnt signaling pathway; plus strand). Cytogenetic location: 5q22.2.
Variant type: single nucleotide variant.
Coding change: c.2236G>A on transcript NM_000038.6 (MANE Select); coding-DNA position 2236, G replaced by A.
Protein change: p.Gly746Ser; replaces glycine 746 with serine.
Molecular consequence: missense variant. On other transcripts: non-coding transcript variant (2).
Genome position (GRCh38, 1-based): chr5:112,837,830, G>A. VCF-style: chr5-112837830-G-A. GRCh37 (hg19) VCF-style: chr5-112173527-G-A.
Other names: c.2236G>A, p.Gly746Ser (NM_001127510.3, NM_001354895.2, NM_001407450.1); c.2182G>A, p.Gly728Ser (NM_001127511.3); c.2290G>A, p.Gly764Ser (NM_001354896.2, NM_001407447.1, NM_001407448.1 and 1 more transcripts); c.2266G>A, p.Gly756Ser (NM_001354897.2); c.2161G>A, p.Gly721Ser (NM_001354898.2); c.2152G>A, p.Gly718Ser (NM_001354899.2); c.2113G>A, p.Gly705Ser (NM_001354900.2); c.2059G>A, p.Gly687Ser (NM_001354901.2, NM_001407453.1); and 11 more; short protein forms G645S, G746S, G756S, G764S, G774S, G463S, G620S, G728S.
Identifiers: ClinVar variation 3635422 (VCV003635422.3).
Genomic context (GRCh38, chr5:112,837,830, plus strand): 5'-TTAAGGAATCTCATGGCAAATAGGCCTGCGAAGTACAAGGATGCCAATATTATGTCTCCT[G>A]GCTCAAGCTTGCCATCTCTTCATGTTAGGAAACAAAAAGCCCTAGAAGCAGAATTAGATG-3'
Protein context (NP_000029.2, residues 736-756): KYKDANIMSP[Gly746Ser]SSLPSLHVRK